The following is an entry in ClinVar:

ClinVar aggregate classification (germline): Likely pathogenic (1 of 4 stars; one submission).

Conditions:
CLCN5-related disorder. Also called: CLCN5-related condition.

Submission:

3billion
Classification: Likely pathogenic for CLCN5-related disorder. Last evaluated: 2025-09-14. Review status: criteria provided, single submitter. Criteria: ACMG Guidelines, 2015. Collection method: clinical testing. Allele origin: germline. Affected: yes.
Comment: The variant is not observed in the gnomAD v4.1.0 dataset. Predicted Consequence/Location: Stop-gained (nonsense): predicted to result in a loss or disruption of normal protein function through nonsense-mediated decay (NMD) or protein truncation. Multiple pathogenic variants are reported downstream of the variant. Therefore, this variant is classified as Likely pathogenic according to the recommendation of ACMG/AMP guideline.

NM_001127898.4(CLCN5):c.1644T>A (p.Tyr548Ter)

Gene: CLCN5 (Cl-/H+ antiporter 5; plus strand). Cytogenetic location: Xp11.23.
Variant type: single nucleotide variant.
Coding change: c.1644T>A on transcript NM_001127898.4 (MANE Select); coding-DNA position 1644, T replaced by A.
Protein change: p.Tyr548Ter; replaces tyrosine 548 with a stop codon.
Molecular consequence: nonsense. On other transcripts: non-coding transcript variant (1).
Genome position (GRCh38, 1-based): chrX:50,088,784, T>A. VCF-style: chrX-50088784-T-A. GRCh37 (hg19) VCF-style: chrX-49853441-T-A.
Other names: c.1434T>A, p.Tyr478Ter (NM_000084.5); c.1644T>A, p.Tyr548Ter (NM_001127899.4); c.1494T>A, p.Tyr498Ter (NM_001282163.2); c.1656T>A, p.Tyr552Ter (NM_001440756.1, NM_001440757.1); short protein forms Y478*, Y498*, Y548*, Y552*.
Identifiers: ClinVar variation 4855763 (VCV004855763.1).